The following is an entry in ClinVar:

NM_000046.5(ARSB):c.971G>T (p.Gly324Val)

Gene: ARSB (arylsulfatase B; minus strand). Cytogenetic location: 5q14.1.
Variant type: single nucleotide variant.
Coding change: c.971G>T on transcript NM_000046.5 (MANE Select); coding-DNA position 971, G replaced by T.
Protein change: p.Gly324Val; replaces glycine 324 with valine.
Molecular consequence: missense variant.
Genome position (GRCh38, 1-based): chr5:78,885,755, C>A on the plus strand (G>T on the coding strand, the complement: ARSB is on the minus strand). VCF-style: chr5-78885755-C-A. GRCh37 (hg19) VCF-style: chr5-78181578-C-A.
Other names: c.971G>T, p.Gly324Val (NM_198709.3); short protein forms G324V.
Identifiers: ClinVar variation 92356 (VCV000092356.23), dbSNP rs398123125, ClinGen allele CA220288.
Genomic context (GRCh38, chr5:78,885,755, plus strand): 5'-TTCTTCACGCCCTTCTGCTTCAGCAAGGGGCTTGCCACAAAGCCCACCCCTCGGACGCCT[C>A]CTTCCCACAGGCTCCATTTTCTTCCTCGAAGGGGCCAGTTATTACCCCCTGCCAAAGTCT-3'
Protein context (NP_000037.2, residues 314-334): LRGRKWSLWE[Gly324Val]GVRGVGFVAS

ClinVar aggregate classification (germline): Pathogenic/Likely pathogenic. Review status: criteria provided, multiple submitters, no conflicts (2 of 4 stars). 8 submissions from 8 submitters: Pathogenic (4); Likely pathogenic (4). Last evaluated 2026-01-12.

Conditions:
Inborn genetic diseases. Identifiers: MedGen C0950123, MeSH D030342.
Mucopolysaccharidosis type 6 (MPS6). Also called: MPS VI; N-ACETYLGALACTOSAMINE-4-SULFATASE DEFICIENCY; MPS 6; Maroteaux Lamy syndrome; ARSB DEFICIENCY; ARYLSULFATASE B DEFICIENCY. Identifiers: Orphanet 583, MedGen C0026709, MONDO:0009661, OMIM 253200.

Allele frequency attached by ClinVar (database versions not stated): gnomAD 0.00004 and 0.00003; gnomAD exomes below 0.00001; TOPMed 0.00006.
gnomAD v4.1: 9 of 1,614,010 alleles (0.00056%); highest among the groups gnomAD compares: African/African-American, 0.011%; no homozygotes.

Submissions (8):

Ambry Genetics
Classification: Pathogenic for Inborn genetic diseases. Last evaluated: 2026-01-12. Review status: criteria provided, single submitter. Criteria: Ambry Variant Classification Scheme 2023. Collection method: clinical testing. Allele origin: germline.
Comment: The c.971G>T (p.G324V) alteration is located in coding exon 5 of the ARSB gene. This alteration results from a G to T substitution at nucleotide position 971, causing the glycine (G) at amino acid position 324 to be replaced by a valine (V). Based on data from gnomAD, the T allele has an overall frequency of <0.001% (1/251372) total alleles studied. The highest observed frequency was 0.006% (1/16256) of African alleles. This variant has been identified in the homozygous state and/or in conjunction with other ARSB variant(s) in individual(s) with features consistent with Mucopolysaccharidosis type V (Karageorgos, 2007; Brands, 2013). This amino acid position is highly conserved in available vertebrate species. This alteration is predicted to be deleterious by in silico analysis. Based on the available evidence, this alteration is classified as pathogenic.

Natera, Inc.
Classification: Likely pathogenic for Mucopolysaccharidosis type VI. Last evaluated: 2025-10-14. Review status: criteria provided, single submitter. Criteria: Natera Variant Classification Schema (03/2026). Collection method: clinical testing. Allele origin: germline.
Comment: The c.971G>T variant in ARSB is a missense variant predicted to cause substitution of glycine to valine at amino acid 324. This variant is rare in the general population with a frequency below the threshold expected for the associated phenotype(s). This variant has been observed in one or more individuals affected with the associated recessive disease, as either homozygous or compound heterozygous with a second variant (PMID: 17458871, 23557332). Functional studies show that this variant may disrupt protein function (PMID: 23557332). Computational prediction algorithms indicate this variant is likely to affect gene or protein function. Given the available evidence, this variant is classified as Likely Pathogenic.

Labcorp Genetics (formerly Invitae), Labcorp
Classification: Pathogenic for Mucopolysaccharidosis type 6. Last evaluated: 2025-10-13. Review status: criteria provided, single submitter. Criteria: Invitae Variant Classification Sherloc (09022015). Collection method: clinical testing. Allele origin: germline.
Comment: This sequence change replaces glycine, which is neutral and non-polar, with valine, which is neutral and non-polar, at codon 324 of the ARSB protein (p.Gly324Val). This variant is present in population databases (rs398123125, gnomAD 0.007%). This missense change has been observed in individual(s) with mucopolysaccharidosis type VI (PMID: 17458871, 23557332; internal data). ClinVar contains an entry for this variant (Variation ID: 92356). Invitae Evidence Modeling of protein sequence and biophysical properties (such as structural, functional, and spatial information, amino acid conservation, physicochemical variation, residue mobility, and thermodynamic stability) indicates that this missense variant is expected to disrupt ARSB protein function with a positive predictive value of 95%. Studies have shown that this missense change alters ARSB gene expression (PMID: 23557332). For these reasons, this variant has been classified as Pathogenic.

Women's Health and Genetics/Laboratory Corporation of America, LabCorp
Classification: Likely pathogenic for Mucopolysaccharidosis type 6. Last evaluated: 2024-07-22. Review status: criteria provided, single submitter. Criteria: LabCorp Variant Classification Summary - May 2015. Collection method: clinical testing. Allele origin: germline.
Comment: Variant summary: ARSB c.971G>T (p.Gly324Val) results in a non-conservative amino acid change in the Sulfatase, N-terminal domain of the encoded protein sequence. Five of five in-silico tools predict a damaging effect of the variant on protein function. The variant allele was found at a frequency of 4e-06 in 251372 control chromosomes. c.971G>T has been reported in the literature in at-least one individual affected with Mucopolysaccharidosis Type VI (Maroteaux-Lamy Syndrome) 9Example: Ebbink_2016). These data indicate that the variant may be associated with disease. At least one publication reports experimental evidence evaluating an impact on protein function. The most pronounced variant effect results in <10% of normal activity (Brands_2013). The following publications have been ascertained in the context of this evaluation (PMID: 26450354, 17458871, 33209960, 25654180, 23557332). ClinVar contains an entry for this variant (Variation ID: 92356). Based on the evidence outlined above, the variant was classified as likely pathogenic.

Revvity Omics, Revvity
Classification: Pathogenic for Mucopolysaccharidosis type 6. Last evaluated: 2024-05-16. Review status: criteria provided, single submitter. Criteria: ACMG Guidelines, 2015. Collection method: clinical testing. Allele origin: germline.

Fulgent Genetics
Classification: Likely pathogenic for Mucopolysaccharidosis type 6. Last evaluated: 2024-05-10. Review status: criteria provided, single submitter. Criteria: ACMG Guidelines, 2015. Collection method: clinical testing. Allele origin: germline.

Laboratory of Diagnosis and Therapy of Lysosomal Disorders, University of Padova
Classification: Likely pathogenic for Mucopolysaccharidosis type 6. Last evaluated: 2018-01-01. Review status: criteria provided, single submitter. Criteria: ACMG Guidelines, 2015. Collection method: curation. Allele origin: germline. Affected: yes.
Comment: In vitro functional studies supportive of a damaging effect on the gene product (low to no ARSB activity in homozygotes; PS3); Very low frequencyin GnomAD (PM2); Reputable source identifies as pathogenic (PP5)

Eurofins Ntd Llc (ga)
Classification: Pathogenic. Last evaluated: 2014-01-07. Review status: criteria provided, single submitter. Criteria: EGL Classification Definitions 2015. Collection method: clinical testing. Allele origin: germline. Observed: 8 variant alleles, 6 heterozygotes, 2 homozygotes.

Literature cited by the submitters: PubMed 17458871 (cited by 6 submitters); PubMed 23557332 (cited by 6 submitters); PubMed 28552677 (cited by Ambry Genetics); PubMed 26450354 (cited by Women's Health and Genetics/Laboratory Corporation of America, LabCorp); PubMed 25654180 (cited by Women's Health and Genetics/Laboratory Corporation of America, LabCorp); PubMed 33209960 (cited by Women's Health and Genetics/Laboratory Corporation of America, LabCorp); PubMed 30118150 (cited by Laboratory of Diagnosis and Therapy of Lysosomal Disorders, University of Padova).